The following is an entry in ClinVar:

ClinVar aggregate classification (germline): Uncertain significance (1 of 4 stars; one submission).

Conditions:
Hereditary cancer-predisposing syndrome. Also called: Neoplastic Syndromes, Hereditary; Tumor predisposition; Hereditary Cancer Syndrome; Hereditary neoplastic syndrome. Identifiers: Orphanet 140162, MedGen C0027672, MeSH D009386, MONDO:0015356.

Submission:

Color Diagnostics, LLC DBA Color Health
Classification: Uncertain significance for Hereditary cancer-predisposing syndrome. Last evaluated: 2023-12-04. Review status: criteria provided, single submitter. Criteria: ACMG Guidelines, 2015. Collection method: clinical testing. Allele origin: germline.
Comment: This missense variant replaces lysine with asparagine at codon 3313 of the BRCA2 protein. Computational prediction suggests that this variant may not impact protein structure and function (internally defined REVEL score threshold <= 0.5, PMID: 27666373). To our knowledge, functional studies have not been reported for this variant. This variant has not been reported in individuals affected with BRCA2-related disorders in the literature. This variant has not been identified in the general population by the Genome Aggregation Database (gnomAD). The available evidence is insufficient to determine the role of this variant in disease conclusively. Therefore, this variant is classified as a Variant of Uncertain Significance.

NM_000059.4(BRCA2):c.9939G>T (p.Lys3313Asn)

Gene: BRCA2 (BRCA2 DNA repair associated; plus strand). Cytogenetic location: 13q13.1.
Variant type: single nucleotide variant.
Coding change: c.9939G>T on transcript NM_000059.4 (MANE Select); coding-DNA position 9939, G replaced by T.
Protein change: p.Lys3313Asn; replaces lysine 3313 with asparagine.
Molecular consequence: missense variant.
Genome position (GRCh38, 1-based): chr13:32,398,452, G>T. VCF-style: chr13-32398452-G-T. GRCh37 (hg19) VCF-style: chr13-32972589-G-T.
Other names: short protein forms K3313N.
Identifiers: ClinVar variation 926700 (VCV000926700.4), dbSNP rs1593202069, ClinGen allele CA387767204.
Genomic context (GRCh38, chr13:32,398,452, plus strand): 5'-TGCACAGAAGGCATTTCAGCCACCAAGGAGTTGTGGCACCAAATACGAAACACCCATAAA[G>T]AAAAAAGAACTGAATTCTCCTCAGATGACTCCATTTAAAAAATTCAATGAAATTTCTCTT-3'
Protein context (NP_000050.3, residues 3303-3323): SCGTKYETPI[Lys3313Asn]KKELNSPQMT